The following is an entry in ClinVar:

NM_001292063.2(OTOG):c.8450G>A (p.Cys2817Tyr)

Gene: OTOG (otogelin; plus strand). Cytogenetic location: 11p15.1.
Variant type: single nucleotide variant.
Coding change: c.8450G>A on transcript NM_001292063.2 (MANE Select); coding-DNA position 8450, G replaced by A.
Protein change: p.Cys2817Tyr; replaces cysteine 2817 with tyrosine.
Molecular consequence: missense variant.
Genome position (GRCh38, 1-based): chr11:17,643,495, G>A. VCF-style: chr11-17643495-G-A. GRCh37 (hg19) VCF-style: chr11-17665042-G-A.
Other names: c.8486G>A, p.Cys2829Tyr (NM_001277269.2); short protein forms C2817Y, C2829Y.
Identifiers: ClinVar variation 5007848 (VCV005007848.2).
Genomic context (GRCh38, chr11:17,643,495, plus strand): 5'-TACCTCCCCCGACTTCCTCTCTCTAGGTTGGGGGTTCCGTGGTACCTTCCTTGGAAGGAT[G>A]CTGCAGGACCTGTGAGTGAGCATGGTGGGGGCCCAGGGGTGGGGGGCTCTGATGGGGGCA-3'
Protein context (NP_001278992.1, residues 2807-2827): GGSVVPSLEG[Cys2817Tyr]CRTCKEDGRS

ClinVar aggregate classification (germline): Uncertain significance (1 of 4 stars; one submission).

Conditions:
Autosomal recessive nonsyndromic hearing loss 18B. Also called: Deafness, autosomal recessive 18b. Identifiers: Orphanet 90636, MedGen C3554163, MONDO:0013985, OMIM 614945.

Submission:

Juno Genomics, Hangzhou Juno Genomics, Inc
Classification: Uncertain significance for Autosomal recessive nonsyndromic hearing loss 18B. Review status: criteria provided, single submitter. Criteria: ACMG Guidelines, 2015. Collection method: clinical testing. Allele origin: germline.
Comment: Absent from controls (or at extremely low frequency if recessive) in Genome Aggregation Database.;Multiple lines of computational evidence support a deleterious effect on the gene or gene product.